The following is an entry in ClinVar:

NM_000287.4(PEX6):c.2641C>T (p.Arg881Cys)

Gene: PEX6 (peroxisomal biogenesis factor 6; minus strand). Cytogenetic location: 6p21.1.
Variant type: single nucleotide variant.
Coding change: c.2641C>T on transcript NM_000287.4 (MANE Select); coding-DNA position 2641, C replaced by T.
Protein change: p.Arg881Cys; replaces arginine 881 with cysteine.
Molecular consequence: missense variant. On other transcripts: non-coding transcript variant (1).
Genome position (GRCh38, 1-based): chr6:42,965,100, G>A on the plus strand (C>T on the coding strand, the complement: PEX6 is on the minus strand). VCF-style: chr6-42965100-G-A. GRCh37 (hg19) VCF-style: chr6-42932838-G-A.
Other names: c.2377C>T, p.Arg793Cys (NM_001316313.2); c.2641C>T (NM_000287.3); short protein forms R881C, R793C.
Identifiers: ClinVar variation 1376556 (VCV001376556.4), dbSNP rs756846188, ClinGen allele CA3810954.

ClinVar aggregate classification (germline): Uncertain significance. Review status: criteria provided, multiple submitters, no conflicts (2 of 4 stars). 2 submissions from 2 submitters: Uncertain significance (2). Last evaluated 2026-04-03.

Conditions:
PEX6-related disorder. Also called: PEX6-related condition; PEX6-related disorders.
Peroxisome biogenesis disorder. Identifiers: Orphanet 79189, MedGen C1832200, MONDO:0019234. Disease mechanism: loss of function.

Allele frequency attached by ClinVar (database versions not stated): gnomAD exomes below 0.00001 and 0.00001; ExAC 0.00002; TOPMed 0.00002.
gnomAD v4.1: 4 of 1,614,214 alleles (0.00025%); highest among the groups gnomAD compares: Admixed American, 0.0017%; no homozygotes.

Submissions (2):

PreventionGenetics, part of Exact Sciences
Classification: Uncertain significance for PEX6-related condition. Last evaluated: 2026-04-03. Review status: criteria provided, single submitter. Criteria: ACMG Guidelines, 2015. Collection method: clinical testing. Allele origin: germline.
Comment: The PEX6 c.2641C>T variant is predicted to result in the amino acid substitution p.Arg881Cys. To our knowledge, this variant has not been reported in the literature. This variant is reported in 0.0033% of alleles in individuals of South Asian descent in gnomAD. At this time, the clinical significance of this variant is uncertain due to the absence of conclusive functional and genetic evidence.

Labcorp Genetics (formerly Invitae), Labcorp
Classification: Uncertain significance for Peroxisome biogenesis disorder. Last evaluated: 2022-08-16. Review status: criteria provided, single submitter. Criteria: Invitae Variant Classification Sherloc (09022015). Collection method: clinical testing. Allele origin: germline.
Comment: This sequence change replaces arginine, which is basic and polar, with cysteine, which is neutral and slightly polar, at codon 881 of the PEX6 protein (p.Arg881Cys). This variant is present in population databases (rs756846188, gnomAD 0.003%). This variant has not been reported in the literature in individuals affected with PEX6-related conditions. ClinVar contains an entry for this variant (Variation ID: 1376556). Algorithms developed to predict the effect of missense changes on protein structure and function are either unavailable or do not agree on the potential impact of this missense change (SIFT: "Deleterious"; PolyPhen-2: "Possibly Damaging"; Align-GVGD: "Class C15"). Algorithms developed to predict the effect of sequence changes on RNA splicing suggest that this variant may disrupt the consensus splice site. In summary, the available evidence is currently insufficient to determine the role of this variant in disease. Therefore, it has been classified as a Variant of Uncertain Significance.